The following is an entry in ClinVar:

ClinVar aggregate classification (germline): Uncertain significance (1 of 4 stars; one submission).

Submission:

Labcorp Genetics (formerly Invitae), Labcorp
Classification: Uncertain significance. Last evaluated: 2025-06-15. Review status: criteria provided, single submitter. Criteria: Invitae Variant Classification Sherloc (09022015). Collection method: clinical testing. Allele origin: germline.
Comment: This sequence change replaces proline, which is neutral and non-polar, with histidine, which is basic and polar, at codon 419 of the NFIA protein (p.Pro419His). This variant is not present in population databases (gnomAD no frequency). This variant has not been reported in the literature in individuals affected with NFIA-related conditions. An algorithm developed to predict the effect of missense changes on protein structure and function (PolyPhen-2) suggests that this variant is likely to be disruptive. In summary, the available evidence is currently insufficient to determine the role of this variant in disease. Therefore, it has been classified as a Variant of Uncertain Significance.

NM_001134673.4(NFIA):c.1256C>A (p.Pro419His)

Gene: NFIA (nuclear factor I A; plus strand). Cytogenetic location: 1p31.3.
Variant type: single nucleotide variant.
Coding change: c.1256C>A on transcript NM_001134673.4 (MANE Select); coding-DNA position 1256, C replaced by A.
Protein change: p.Pro419His; replaces proline 419 with histidine.
Molecular consequence: missense variant.
Genome position (GRCh38, 1-based): chr1:61,406,563, C>A. VCF-style: chr1-61406563-C-A. GRCh37 (hg19) VCF-style: chr1-61872235-C-A.
Other names: c.1232C>A, p.Pro411His (NM_001145511.2); c.1391C>A, p.Pro464His (NM_001145512.2); c.1256C>A, p.Pro419His (NM_005595.5); short protein forms P464H, P419H, P411H.
Identifiers: ClinVar variation 4721051 (VCV004721051.1).
Genomic context (GRCh38, chr1:61,406,563, plus strand): 5'-TTGCTGTCTCTTTCTTCTTTTTCTTGTACGTGTGTTTTCTGCCCCCCCCCCCCCCACAGC[C>A]CAATGGGAGCAGCCAAGGCAAGGTGCACAACCCATTCCTTCCCACCCCAATGTTGCCACC-3'
Protein context (NP_001128145.1, residues 409-429): QQAGQVGFLN[Pro419His]NGSSQGKVHN